The following is an entry in ClinVar:

NM_025136.4(OPA3):c.143-2_143-1delinsCC

Genes: OPA3 (outer mitochondrial membrane lipid metabolism regulator OPA3; minus strand), OPA3-RTN2 (OPA3-RTN2 readthrough; minus strand). Cytogenetic location: 19q13.32.
Variant type: Indel.
Coding change: c.143-2_143-1delinsCC on transcript NM_025136.4 (MANE Select); the canonical splice acceptor site of the intron before coding-DNA position 143, AG replaced by CC.
Molecular consequence: splice acceptor variant. On other transcripts: intron variant (1).
Genome position (GRCh38, 1-based): chr19:45,553,912-45,553,913, CT replaced by GG on the plus strand (AG replaced by CC on the coding strand, the reverse complement: OPA3 is on the minus strand). VCF-style: chr19-45553912-CT-GG. GRCh37 (hg19) VCF-style: chr19-46057170-CT-GG.
Other names: c.143-24457_143-24456delinsCC (NM_001017989.3).
Identifiers: ClinVar variation 952107 (VCV000952107.8), dbSNP rs1969382362, ClinGen allele CA1139666495.

ClinVar aggregate classification (germline): Pathogenic (1 of 4 stars; one submission).

Conditions:
3-Methylglutaconic aciduria type 3 (MGCA3). Also called: OPA3-Related 3-Methylglutaconic Aciduria; Costeff Syndrome; OPA3, AUTOSOMAL RECESSIVE; OPTIC ATROPHY 3, AUTOSOMAL RECESSIVE. Identifiers: Orphanet 67047, MedGen C0574084, MONDO:0009787, OMIM 258501.
Optic atrophy 3 (OPA3). Also called: Optic atrophy 3 with cataract; Optic atrophy, cataract, and neurologic disorder; OPTIC ATROPHY 3, AUTOSOMAL DOMINANT. Identifiers: Orphanet 67036, MedGen C1833809, MONDO:0008133, OMIM 165300.

Submission:

Labcorp Genetics (formerly Invitae), Labcorp
Classification: Pathogenic for 3-Methylglutaconic aciduria type 3; Optic atrophy 3. Last evaluated: 2019-06-11. Review status: criteria provided, single submitter. Criteria: Invitae Variant Classification Sherloc (09022015). Collection method: clinical testing. Allele origin: germline.
Comment: For these reasons, this variant has been classified as Pathogenic. Nucleotide substitutions within the consensus splice site are a relatively common cause of aberrant splicing (PMID: 17576681, 9536098). Algorithms developed to predict the effect of sequence changes on RNA splicing suggest that this variant may disrupt the consensus splice site, but this prediction has not been confirmed by published transcriptional studies. Disruption of this splice site has been observed in combination with another OPA3 variant in individuals affected with 3-methylglutaconic aciduria (PMID: 11668429, 25201222, 26190011) This variant is not present in population databases (ExAC no frequency). This sequence change affects an acceptor splice site in the last intron (intron 1) of the OPA3 gene. While this is not anticipated to result in nonsense mediated decay, it likely alters RNA splicing and results in a disrupted protein product.

Literature cited by the submitters: PubMed 17576681; PubMed 9536098; PubMed 11668429; PubMed 25201222; PubMed 26190011.